The following is an entry in ClinVar:

ClinVar aggregate classification (germline): Uncertain significance (1 of 4 stars; one submission).

Submission:

GeneDx
Classification: Uncertain significance. Last evaluated: 2024-06-20. Review status: criteria provided, single submitter. Criteria: GeneDx Variant Classification Process June 2021. Collection method: clinical testing. Allele origin: germline. Affected: yes.
Comment: Not observed at significant frequency in large population cohorts (gnomAD); In silico analysis supports that this missense variant has a deleterious effect on protein structure/function; Has not been previously published as pathogenic or benign to our knowledge

NM_001273.5(CHD4):c.2213G>A (p.Arg738His)

Gene: CHD4 (chromodomain helicase DNA binding protein 4; minus strand). Cytogenetic location: 12p13.31.
Variant type: single nucleotide variant.
Coding change: c.2213G>A on transcript NM_001273.5 (MANE Select); coding-DNA position 2213, G replaced by A.
Protein change: p.Arg738His; replaces arginine 738 with histidine.
Molecular consequence: missense variant.
Genome position (GRCh38, 1-based): chr12:6,594,559, C>T on the plus strand (G>A on the coding strand, the complement: CHD4 is on the minus strand). VCF-style: chr12-6594559-C-T. GRCh37 (hg19) VCF-style: chr12-6703725-C-T.
Other names: c.2174G>A, p.Arg725His (NM_001363606.2); c.2192G>A, p.Arg731His (NM_001297553.2); short protein forms R725H, R731H, R738H.
Identifiers: ClinVar variation 2575612 (VCV002575612.2), dbSNP rs2540401045, ClinGen allele CA383594554.